The following is an entry in ClinVar:

NM_000038.6(APC):c.6088C>T (p.Leu2030Phe)

Gene: APC (APC regulator of Wnt signaling pathway; plus strand). Cytogenetic location: 5q22.2.
Variant type: single nucleotide variant.
Coding change: c.6088C>T on transcript NM_000038.6 (MANE Select); coding-DNA position 6088, C replaced by T.
Protein change: p.Leu2030Phe; replaces leucine 2030 with phenylalanine.
Molecular consequence: missense variant. On other transcripts: non-coding transcript variant (2).
Genome position (GRCh38, 1-based): chr5:112,841,682, C>T. VCF-style: chr5-112841682-C-T. GRCh37 (hg19) VCF-style: chr5-112177379-C-T.
Other names: c.6088C>T, p.Leu2030Phe (NM_001127510.3, NM_001354895.2, NM_001407450.1); c.6034C>T, p.Leu2012Phe (NM_001127511.3); c.6142C>T, p.Leu2048Phe (NM_001354896.2, NM_001407447.1, NM_001407448.1 and 1 more transcripts); c.6118C>T, p.Leu2040Phe (NM_001354897.2); c.6013C>T, p.Leu2005Phe (NM_001354898.2); c.6004C>T, p.Leu2002Phe (NM_001354899.2); c.5965C>T, p.Leu1989Phe (NM_001354900.2); c.5911C>T, p.Leu1971Phe (NM_001354901.2, NM_001407453.1); and 11 more; short protein forms L1947F, L2040F, L2058F, L1939F, L2002F, L2012F, L2023F, L2030F.
Identifiers: ClinVar variation 3929535 (VCV003929535.1).

ClinVar aggregate classification (germline): Uncertain significance (1 of 4 stars; one submission).

Conditions:
Hereditary cancer-predisposing syndrome. Also called: Hereditary Cancer Syndrome; Hereditary neoplastic syndrome; Neoplastic Syndromes, Hereditary; Tumor predisposition. Identifiers: Orphanet 140162, MedGen C0027672, MeSH D009386, MONDO:0015356.

Submission:

Ambry Genetics
Classification: Uncertain significance for Hereditary cancer-predisposing syndrome. Last evaluated: 2025-05-19. Review status: criteria provided, single submitter. Criteria: Ambry Variant Classification Scheme 2023. Collection method: clinical testing. Allele origin: germline.
Comment: The p.L2030F variant (also known as c.6088C>T), located in coding exon 15 of the APC gene, results from a C to T substitution at nucleotide position 6088. The leucine at codon 2030 is replaced by phenylalanine, an amino acid with highly similar properties. This amino acid position is conserved. In addition, in silico predictors for this gene do not accurately predict pathogenicity. Based on the available evidence, the clinical significance of this variant remains unclear.